The following is an entry in ClinVar:

NM_000135.4(FANCA):c.199C>T (p.Pro67Ser)

Gene: FANCA (FA complementation group A; minus strand). Cytogenetic location: 16q24.3.
Variant type: single nucleotide variant.
Coding change: c.199C>T on transcript NM_000135.4 (MANE Select); coding-DNA position 199, C replaced by T.
Protein change: p.Pro67Ser; replaces proline 67 with serine.
Molecular consequence: missense variant.
Genome position (GRCh38, 1-based): chr16:89,814,604, G>A on the plus strand (C>T on the coding strand, the complement: FANCA is on the minus strand). VCF-style: chr16-89814604-G-A. GRCh37 (hg19) VCF-style: chr16-89881012-G-A.
Other names: c.199C>T, p.Pro67Ser (NM_001018112.3, NM_001286167.3, NM_001351830.2); short protein forms P67S.
Identifiers: ClinVar variation 4254158 (VCV004254158.1).

ClinVar aggregate classification (germline): Uncertain significance (1 of 4 stars; one submission).

Conditions:
Inborn genetic diseases. Identifiers: MedGen C0950123, MeSH D030342.

gnomAD v4.1: 1 of 1,612,698 alleles (0.000062%); highest among the groups gnomAD compares: Non-Finnish European, 0.000085%; no homozygotes.

Submission:

Ambry Genetics
Classification: Uncertain significance for Inborn genetic diseases. Last evaluated: 2025-06-26. Review status: criteria provided, single submitter. Criteria: Ambry Variant Classification Scheme 2023. Collection method: clinical testing. Allele origin: germline.
Comment: The p.P67S variant (also known as c.199C>T), located in coding exon 3 of the FANCA gene, results from a C to T substitution at nucleotide position 199. The proline at codon 67 is replaced by serine, an amino acid with similar properties. This amino acid position is conserved. In addition, this alteration is predicted to be tolerated by in silico analysis. Based on the available evidence, the clinical significance of this variant remains unclear.